The following is an entry in ClinVar:

ClinVar aggregate classification (germline): Conflicting classifications of pathogenicity. Review status: criteria provided, conflicting classifications (1 of 4 stars). 2 submissions from 2 submitters: Uncertain significance (1); Likely benign (1). Last evaluated 2025-09-02.

Allele frequency attached by ClinVar (database versions not stated): TOPMed below 0.00001.
gnomAD v4.1: 10 of 1,614,138 alleles (0.00062%); highest among the groups gnomAD compares: East Asian, 0.022%; no homozygotes.

Submissions (2):

Labcorp Genetics (formerly Invitae), Labcorp
Classification: Uncertain significance. Last evaluated: 2025-09-02. Review status: criteria provided, single submitter. Criteria: Invitae Variant Classification Sherloc (09022015). Collection method: clinical testing. Allele origin: germline.
Comment: This sequence change falls in intron 9 of the COL4A2 gene. It does not directly change the encoded amino acid sequence of the COL4A2 protein. It affects a nucleotide within the consensus splice site. This variant is present in population databases (rs768958595, gnomAD 0.05%). This variant has not been reported in the literature in individuals affected with COL4A2-related conditions. ClinVar contains an entry for this variant (Variation ID: 2994348). Variants that disrupt the consensus splice site are a relatively common cause of aberrant splicing (PMID: 17576681, 9536098). Algorithms developed to predict the effect of sequence changes on RNA splicing suggest that this variant is not likely to affect RNA splicing. In summary, the available evidence is currently insufficient to determine the role of this variant in disease. Therefore, it has been classified as a Variant of Uncertain Significance.

Blueprint Genetics
Classification: Likely benign. Last evaluated: 2021-11-02. Review status: criteria provided, single submitter. Criteria: ACMG Guidelines, 2015. Collection method: clinical testing. Allele origin: germline.

Literature cited by the submitters: PubMed 17576681 (cited by Labcorp Genetics (formerly Invitae), Labcorp); PubMed 9536098 (cited by Labcorp Genetics (formerly Invitae), Labcorp).

NM_001846.4(COL4A2):c.585+4A>C

Gene: COL4A2 (collagen type IV alpha 2 chain; plus strand). Cytogenetic location: 13q34.
Variant type: single nucleotide variant.
Coding change: c.585+4A>C on transcript NM_001846.4 (MANE Select); 4 bases into the intron after coding-DNA position 585, A replaced by C.
Molecular consequence: intron variant.
Genome position (GRCh38, 1-based): chr13:110,430,440, A>C. VCF-style: chr13-110430440-A-C. GRCh37 (hg19) VCF-style: chr13-111082787-A-C.
Identifiers: ClinVar variation 2994348 (VCV002994348.4), dbSNP rs768958595, ClinGen allele CA7048966.